The following is an entry in ClinVar:

NM_001128228.3(TPRN):c.476C>A (p.Pro159Gln)

Gene: TPRN (taperin; minus strand). Cytogenetic location: 9q34.3.
Variant type: single nucleotide variant.
Coding change: c.476C>A on transcript NM_001128228.3 (MANE Select); coding-DNA position 476, C replaced by A.
Protein change: p.Pro159Gln; replaces proline 159 with glutamine.
Molecular consequence: missense variant.
Genome position (GRCh38, 1-based): chr9:137,200,236, G>T on the plus strand (C>A on the coding strand, the complement: TPRN is on the minus strand). VCF-style: chr9-137200236-G-T. GRCh37 (hg19) VCF-style: chr9-140094688-G-T.
Other names: short protein forms P159Q.
Identifiers: ClinVar variation 3340645 (VCV003340645.1).

ClinVar aggregate classification (germline): Uncertain significance (1 of 4 stars; one submission).

Submission:

GeneDx
Classification: Uncertain significance. Last evaluated: 2023-08-14. Review status: criteria provided, single submitter. Criteria: GeneDx Variant Classification Process June 2021. Collection method: clinical testing. Allele origin: germline. Affected: yes.
Comment: Not observed at significant frequency in large population cohorts (gnomAD); In silico analysis supports that this missense variant does not alter protein structure/function; Has not been previously published as pathogenic or benign to our knowledge